The following is an entry in ClinVar:

ClinVar aggregate classification (germline): Uncertain significance. Review status: criteria provided, multiple submitters, no conflicts (2 of 4 stars). 5 submissions from 5 submitters: Uncertain significance (5). Last evaluated 2024-12-12.

Conditions:
Autosomal recessive nonsyndromic hearing loss 18B. Also called: Deafness, autosomal recessive 18b. Identifiers: Orphanet 90636, MedGen C3554163, MONDO:0013985, OMIM 614945.

Allele frequency attached by ClinVar (database versions not stated): ExAC 0.00012; gnomAD exomes 0.00019 and 0.00044; gnomAD 0.00021; TOPMed 0.00028; 1000 Genomes Project 30x 0.00031; 1000 Genomes Project 0.00040.
gnomAD v4.1: 636 of 1,550,306 alleles (0.041%); highest among the groups gnomAD compares: Non-Finnish European, 0.052%; 1 homozygote.

Submissions (5):

GeneDx
Classification: Uncertain significance. Last evaluated: 2024-12-12. Review status: criteria provided, single submitter. Criteria: GeneDx Variant Classification Process June 2021. Collection method: clinical testing. Allele origin: germline. Affected: yes.
Comment: Has not been previously published as pathogenic or benign to our knowledge; In silico analysis supports a deleterious effect on splicing

CeGaT Center for Human Genetics Tuebingen
Classification: Uncertain significance. Last evaluated: 2024-11-01. Review status: criteria provided, single submitter. Criteria: CeGaT Center For Human Genetics Tuebingen Variant Classification Criteria Version 2. Collection method: clinical testing. Allele origin: germline. Affected: yes. Observed: 1 variant allele.
Comment: OTOG: PM2:Supporting

Labcorp Genetics (formerly Invitae), Labcorp
Classification: Uncertain significance. Last evaluated: 2022-08-10. Review status: criteria provided, single submitter. Criteria: Invitae Variant Classification Sherloc (09022015). Collection method: clinical testing. Allele origin: germline.
Comment: In summary, the available evidence is currently insufficient to determine the role of this variant in disease. Therefore, it has been classified as a Variant of Uncertain Significance. Variants that disrupt the consensus splice site are a relatively common cause of aberrant splicing (PMID: 17576681, 9536098). Algorithms developed to predict the effect of sequence changes on RNA splicing suggest that this variant may disrupt the consensus splice site. ClinVar contains an entry for this variant (Variation ID: 432317). This variant has not been reported in the literature in individuals affected with OTOG-related conditions. This variant is present in population databases (rs535970426, gnomAD 0.04%). This sequence change falls in intron 3 of the OTOG gene. It does not directly change the encoded amino acid sequence of the OTOG protein. It affects a nucleotide within the consensus splice site.

Fulgent Genetics
Classification: Uncertain significance for Autosomal recessive nonsyndromic hearing loss 18B. Last evaluated: 2021-09-08. Review status: criteria provided, single submitter. Criteria: ACMG Guidelines, 2015. Collection method: clinical testing. Allele origin: unknown.

Laboratory for Molecular Medicine, Mass General Brigham Personalized Medicine
Classification: Uncertain significance. Last evaluated: 2017-07-25. Review status: criteria provided, single submitter. Criteria: LMM Criteria. Collection method: clinical testing. Allele origin: germline. Observed: 1 variant allele.
Comment: The c.328+4A>C variant in OTOG has not been previously reported in individuals w ith hearing loss, but has been identified in 10/24674 of Latino chromosomes and 17/66944 of European chromosomes by the Genome Aggregation Database (gnomAD; dbSNP rs535970426). Although this variant has be en seen in the general population, its frequency is low enough to be consistent with a recessive carrier frequency. This variant is located in the 5' splice reg ion. Computational tools suggest a possible impact to splicing. However, this in formation is not predictive enough to determine out pathogenicity. In summary, t he clinical significance of the c.328+4A>C variant is uncertain.

Literature cited by the submitters: PubMed 17576681 (cited by Labcorp Genetics (formerly Invitae), Labcorp); PubMed 9536098 (cited by Labcorp Genetics (formerly Invitae), Labcorp).

NM_001292063.2(OTOG):c.292+4A>C

Gene: OTOG (otogelin; plus strand). Cytogenetic location: 11p15.1.
Variant type: single nucleotide variant.
Coding change: c.292+4A>C on transcript NM_001292063.2 (MANE Select); 4 bases into the intron after coding-DNA position 292, A replaced by C.
Molecular consequence: intron variant.
Genome position (GRCh38, 1-based): chr11:17,552,079, A>C. VCF-style: chr11-17552079-A-C. GRCh37 (hg19) VCF-style: chr11-17573626-A-C.
Other names: c.328+4A>C (NM_001277269.2).
Identifiers: ClinVar variation 432317 (VCV000432317.26), dbSNP rs535970426, ClinGen allele CA5905329.